The following is an entry in ClinVar:

NM_002890.3(RASA1):c.2498C>A (p.Ser833Ter)

Genes: CCNH (cyclin H; minus strand), RASA1 (RAS p21 protein activator 1; plus strand). Cytogenetic location: 5q14.3.
Variant type: single nucleotide variant.
Coding change: c.2498C>A on transcript NM_002890.3 (MANE Select); coding-DNA position 2498, C replaced by A.
Protein change: p.Ser833Ter; replaces serine 833 with a stop codon.
Molecular consequence: nonsense. On other transcripts: intron variant (1).
Genome position (GRCh38, 1-based): chr5:87,379,745, C>A. VCF-style: chr5-87379745-C-A. GRCh37 (hg19) VCF-style: chr5-86675562-C-A.
Other names: c.1967C>A, p.Ser656Ter (NM_022650.3); c.933+15299G>T (NM_001364075.2); short protein forms S656*, S833*.
Identifiers: ClinVar variation 4293697 (VCV004293697.1).

ClinVar aggregate classification (germline): Likely pathogenic (1 of 4 stars; one submission).

Conditions:
Capillary malformation-arteriovenous malformation 1 (CMAVM1). Identifiers: Orphanet 137667, Orphanet 693907, MedGen C4747394, MONDO:0020783, OMIM 608354.

Submission:

3billion
Classification: Likely pathogenic for Capillary malformation-arteriovenous malformation 1. Last evaluated: 2024-10-31. Review status: criteria provided, single submitter. Criteria: ACMG Guidelines, 2015. Collection method: clinical testing. Allele origin: germline. Affected: yes.
Comment: The variant is not observed in the gnomAD v4.1.0 dataset. Predicted Consequence/Location: Stop-gained (nonsense): predicted to result in a loss or disruption of normal protein function through nonsense-mediated decay (NMD) or protein truncation. Multiple pathogenic variants are reported downstream of the variant. Therefore, this variant is classified as Likely pathogenic according to the recommendation of ACMG/AMP guideline.